The following is an entry in ClinVar:

ClinVar aggregate classification (germline): Uncertain significance (1 of 4 stars; one submission).

Conditions:
Glanzmann thrombasthenia. Also called: BLEEDING DISORDER, PLATELET-TYPE, 2; THROMBASTHENIA OF GLANZMANN AND NAEGELI; Thrombasthenia; PLATELET GLYCOPROTEIN IIb-IIIa DEFICIENCY; Glanzmann's thrombasthenia. Identifiers: Orphanet 849, MedGen C0040015, MONDO:0100326.

Allele frequency attached by ClinVar (database versions not stated): ExAC 0.00001; gnomAD exomes 0.00001; gnomAD 0.00003; TOPMed 0.00003; ESP Exome Variant Server 0.00015.
gnomAD v4.1: 13 of 1,613,210 alleles (0.00081%); highest among the groups gnomAD compares: African/African-American, 0.011%; no homozygotes.

Submission:

Labcorp Genetics (formerly Invitae), Labcorp
Classification: Uncertain significance for Glanzmann thrombasthenia. Last evaluated: 2026-01-02. Review status: criteria provided, single submitter. Criteria: Invitae Variant Classification Sherloc (09022015). Collection method: clinical testing. Allele origin: germline.
Comment: This sequence change falls in intron 5 of the ITGA2B gene. It does not directly change the encoded amino acid sequence of the ITGA2B protein. It affects a nucleotide within the consensus splice site. This variant is present in population databases (rs370053644, gnomAD 0.01%). This variant has not been reported in the literature in individuals affected with ITGA2B-related conditions. ClinVar contains an entry for this variant (Variation ID: 2713316). Variants that disrupt the consensus splice site are a relatively common cause of aberrant splicing (PMID: 17576681, 9536098). Algorithms developed to predict the effect of sequence changes on RNA splicing suggest that this variant may disrupt the consensus splice site. In summary, the available evidence is currently insufficient to determine the role of this variant in disease. Therefore, it has been classified as a Variant of Uncertain Significance.

Literature cited by the submitters: PubMed 17576681; PubMed 9536098.

NM_000419.5(ITGA2B):c.624+6T>C

Gene: ITGA2B (integrin subunit alpha 2b; minus strand). Cytogenetic location: 17q21.31.
Variant type: single nucleotide variant.
Coding change: c.624+6T>C on transcript NM_000419.5 (MANE Select); 6 bases into the intron after coding-DNA position 624, T replaced by C.
Molecular consequence: intron variant.
Genome position (GRCh38, 1-based): chr17:44,385,280, A>G on the plus strand (T>C on the coding strand, the complement: ITGA2B is on the minus strand). VCF-style: chr17-44385280-A-G. GRCh37 (hg19) VCF-style: chr17-42462648-A-G.
Identifiers: ClinVar variation 2713316 (VCV002713316.3), dbSNP rs370053644, ClinGen allele CA8603419.
Genomic context (GRCh38, chr17:44,385,280, plus strand): 5'-AGTCCTGAGGGTGAGAGGGGGCCCTGTTTGGGAGCCGCCCCCACTGCGCTTTTGCTCCCT[A>G]CTCGCCTGAGTGACCACGGAGCTGAAGCCCGCTTCACAGTAACGCTTGTCCCAGCCTGCA-3'